The following is an entry in ClinVar:

NM_000540.3(RYR1):c.7850C>A (p.Ser2617Ter)

Gene: RYR1 (ryanodine receptor 1; plus strand). Cytogenetic location: 19q13.2.
Variant type: single nucleotide variant.
Coding change: c.7850C>A on transcript NM_000540.3 (MANE Select); coding-DNA position 7850, C replaced by A.
Protein change: p.Ser2617Ter; replaces serine 2617 with a stop codon.
Molecular consequence: nonsense.
Genome position (GRCh38, 1-based): chr19:38,502,894, C>A. VCF-style: chr19-38502894-C-A. GRCh37 (hg19) VCF-style: chr19-38993534-C-A.
Other names: c.7850C>A, p.Ser2617Ter (NM_001042723.2); short protein forms S2617*.
Identifiers: ClinVar variation 1416843 (VCV001416843.6), dbSNP rs780836747, ClinGen allele CA405673588.

ClinVar aggregate classification (germline): Pathogenic (1 of 4 stars; one submission).

Conditions:
RYR1-related disorder. Also called: RYR1-related condition; RYR1-related disorders. Identifiers: MedGen CN239331.

Submission:

Labcorp Genetics (formerly Invitae), Labcorp
Classification: Pathogenic for RYR1-related disorder. Last evaluated: 2021-07-03. Review status: criteria provided, single submitter. Criteria: Invitae Variant Classification Sherloc (09022015). Collection method: clinical testing. Allele origin: germline.
Comment: This sequence change creates a premature translational stop signal (p.Ser2617*) in the RYR1 gene. It is expected to result in an absent or disrupted protein product. Loss-of-function variants in RYR1 are known to be pathogenic (PMID: 20583297, 20839240, 23919265, 28818389). This variant is not present in population databases (ExAC no frequency). For these reasons, this variant has been classified as Pathogenic. Algorithms developed to predict the effect of sequence changes on RNA splicing suggest that this variant may create or strengthen a splice site. This variant has not been reported in the literature in individuals affected with RYR1-related conditions.

Literature cited by the submitters: PubMed 20583297; PubMed 20839240; PubMed 23919265; PubMed 28818389.